The following is an entry in ClinVar:

NM_000245.4(MET):c.4145G>T (p.Arg1382Leu)

Gene: MET (MET proto-oncogene, receptor tyrosine kinase; plus strand). Cytogenetic location: 7q31.2.
Variant type: single nucleotide variant.
Coding change: c.4145G>T on transcript NM_000245.4 (MANE Select); coding-DNA position 4145, G replaced by T.
Protein change: p.Arg1382Leu; replaces arginine 1382 with leucine.
Molecular consequence: missense variant.
Genome position (GRCh38, 1-based): chr7:116,796,096, G>T. VCF-style: chr7-116796096-G-T. GRCh37 (hg19) VCF-style: chr7-116436150-G-T.
Other names: c.4199G>T (NM_001127500.2, NM_001127500.1); c.4199G>T, p.Arg1400Leu (NM_001127500.3); c.2855G>T, p.Arg952Leu (NM_001324402.2); short protein forms R1400L, R1382L, R952L.
Identifiers: ClinVar variation 1380296 (VCV001380296.11), dbSNP rs752694306, ClinGen allele CA369118487.

ClinVar aggregate classification (germline): Conflicting classifications of pathogenicity. Review status: criteria provided, conflicting classifications (1 of 4 stars). 3 submissions from 3 submitters: Uncertain significance (2); Benign (1). Last evaluated 2025-04-07.

Conditions:
Ovarian cancer. Also called: OVARIAN CANCER, SOMATIC. Identifiers: Orphanet 213500, MedGen C1140680, MONDO:0008170, OMIM 167000.
Hereditary cancer-predisposing syndrome. Also called: Tumor predisposition; Neoplastic Syndromes, Hereditary; Hereditary Cancer Syndrome; Hereditary neoplastic syndrome. Identifiers: Orphanet 140162, MedGen C0027672, MeSH D009386, MONDO:0015356.
Renal cell carcinoma. Identifiers: Orphanet 217071, MedGen C0007134, MeSH D002292, MONDO:0005086, HP:0005584.

gnomAD v4.1: 1 of 1,614,100 alleles (0.000062%); highest among the groups gnomAD compares: South Asian, 0.0011%; no homozygotes.

Submissions (3):

Labcorp Genetics (formerly Invitae), Labcorp
Classification: Uncertain significance for Renal cell carcinoma. Last evaluated: 2025-04-07. Review status: criteria provided, single submitter. Criteria: Invitae Variant Classification Sherloc (09022015). Collection method: clinical testing. Allele origin: germline.
Comment: This sequence change replaces arginine, which is basic and polar, with leucine, which is neutral and non-polar, at codon 1400 of the MET protein (p.Arg1400Leu). This variant is not present in population databases (gnomAD no frequency). This variant has not been reported in the literature in individuals affected with MET-related conditions. ClinVar contains an entry for this variant (Variation ID: 1380296). Experimental studies and prediction algorithms are not available or were not evaluated, and the functional significance of this variant is currently unknown. In summary, the available evidence is currently insufficient to determine the role of this variant in disease. Therefore, it has been classified as a Variant of Uncertain Significance.

Ambry Genetics
Classification: Uncertain significance for Hereditary cancer-predisposing syndrome. Last evaluated: 2023-01-26. Review status: criteria provided, single submitter. Criteria: Ambry Variant Classification Scheme 2023. Collection method: clinical testing. Allele origin: germline.
Comment: The p.R1400L variant (also known as c.4199G>T), located in coding exon 20 of the MET gene, results from a G to T substitution at nucleotide position 4199. The arginine at codon 1400 is replaced by leucine, an amino acid with dissimilar properties. This amino acid position is poorly conserved in available vertebrate species. In addition, this alteration is predicted to be tolerated by in silico analysis. Since supporting evidence is limited at this time, the clinical significance of this alteration remains unclear.

Laboratory of Molecular Epidemiology of Birth Defects, West China Second University Hospital, Sichuan University
Classification: Benign for Ovarian cancer. Last evaluated: 2022-01-01. Review status: criteria provided, single submitter. Criteria: ACMG Guidelines, 2015. Collection method: clinical testing. Allele origin: germline. Affected: yes.